The following is an entry in ClinVar:

NM_017514.5(PLXNA3):c.4934G>A (p.Arg1645His)

Gene: PLXNA3 (plexin A3; plus strand). Cytogenetic location: Xq28.
Variant type: single nucleotide variant.
Coding change: c.4934G>A on transcript NM_017514.5 (MANE Select); coding-DNA position 4934, G replaced by A.
Protein change: p.Arg1645His; replaces arginine 1645 with histidine.
Molecular consequence: missense variant.
Genome position (GRCh38, 1-based): chrX:154,470,115, G>A. VCF-style: chrX-154470115-G-A. GRCh37 (hg19) VCF-style: chrX-153698458-G-A.
Other names: short protein forms R1645H.
Identifiers: ClinVar variation 3934793 (VCV003934793.2).
Genomic context (GRCh38, chrX:154,470,115, plus strand): 5'-GCACCAAATTGTGGCACCTGGTGAAAAACCACGACCATGCCGACCATCGCGAGGGGGACC[G>A]TGGCAGCAAGATGGTCTCCGAGATCTACCTGACACGGCTGCTGGCCACCAAGGTATGGGC-3'
Protein context (NP_059984.3, residues 1635-1655): HDHADHREGD[Arg1645His]GSKMVSEIYL

ClinVar aggregate classification (germline): Uncertain significance. Review status: criteria provided, multiple submitters, no conflicts (2 of 4 stars). 2 submissions from 2 submitters: Uncertain significance (2). Last evaluated 2026-05-09.

Conditions:
PLXNA3-related disorder. Also called: PLXNA3-related condition.

Submissions (2):

PreventionGenetics, part of Exact Sciences
Classification: Uncertain significance for PLXNA3-related condition. Last evaluated: 2026-05-09. Review status: criteria provided, single submitter. Criteria: ACMG Guidelines, 2015. Collection method: clinical testing. Allele origin: germline.
Comment: The PLXNA3 c.4934G>A variant is predicted to result in the amino acid substitution p.Arg1645His. To our knowledge, this variant has not been reported in the literature. This variant is reported in 0.014% of alleles in individuals of European (Non-Finnish) descent in gnomAD. At this time, the clinical significance of this variant is uncertain due to the absence of conclusive functional and genetic evidence.

Ambry Genetics
Classification: Uncertain significance. Last evaluated: 2025-03-27. Review status: criteria provided, single submitter. Criteria: Ambry Variant Classification Scheme 2023. Collection method: clinical testing. Allele origin: germline.